The following is an entry in ClinVar:

ClinVar aggregate classification (germline): Pathogenic (1 of 4 stars; one submission).

Conditions:
Duchenne muscular dystrophy (DMD). Also called: MUSCULAR DYSTROPHY, PSEUDOHYPERTROPHIC PROGRESSIVE, DUCHENNE TYPE; Duchenne Muscular Dystrophy (DMD). Identifiers: Orphanet 98896, MedGen C0013264, MONDO:0010679, OMIM 310200.

Submission:

Labcorp Genetics (formerly Invitae), Labcorp
Classification: Pathogenic for Duchenne muscular dystrophy. Last evaluated: 2018-07-10. Review status: criteria provided, single submitter. Criteria: Invitae Variant Classification Sherloc (09022015). Collection method: clinical testing. Allele origin: germline.
Comment: This variant is a gross duplication of the genomic region encompassing exons 56-62 of the DMD gene. While the exact position of the duplicated exons cannot be determined from this data, sub-genic duplications are generally in tandem (PMID: 25640679) and may result in an absent or disrupted protein product. Similar duplications of exons 56-62 have been reported in individuals affected with Duchenne muscular dystrophy (PMID: 19602481, 28610567). Loss-of-function variants in DMD are known to be pathogenic (PMID: 16770791, 25007885). For these reasons, this variant has been classified as Pathogenic.

Literature cited by the submitters: PubMed 19602481; PubMed 28610567.

NC_000023.10:g.(?_31332523)_(31526374_?)dup

Gene: DMD (dystrophin; minus strand). Cytogenetic location: Xp21.2-21.1.
Variant type: Duplication.
Identifiers: ClinVar variation 665650 (VCV000665650.1).